The following is an entry in ClinVar:

NM_002907.4(RECQL):c.955A>G (p.Ile319Val)

Gene: RECQL (RecQ like helicase; minus strand). Cytogenetic location: 12p12.1.
Variant type: single nucleotide variant.
Coding change: c.955A>G on transcript NM_002907.4 (MANE Select); coding-DNA position 955, A replaced by G.
Protein change: p.Ile319Val; replaces isoleucine 319 with valine.
Molecular consequence: missense variant.
Genome position (GRCh38, 1-based): chr12:21,475,819, T>C on the plus strand (A>G on the coding strand, the complement: RECQL is on the minus strand). VCF-style: chr12-21475819-T-C. GRCh37 (hg19) VCF-style: chr12-21628753-T-C.
Other names: c.955A>G, p.Ile319Val (NM_032941.3); short protein forms I319V.
Identifiers: ClinVar variation 1767378 (VCV001767378.3), dbSNP rs530488411, ClinGen allele CA6478895.

ClinVar aggregate classification (germline): Uncertain significance (1 of 4 stars; one submission).

Allele frequency attached by ClinVar (database versions not stated): ExAC 0.00001; gnomAD exomes below 0.00001.
gnomAD v4.1: 4 of 1,610,918 alleles (0.00025%); highest among the groups gnomAD compares: South Asian, 0.0011%; no homozygotes.

Submission:

Ambry Genetics
Classification: Uncertain significance. Last evaluated: 2025-03-28. Review status: criteria provided, single submitter. Criteria: Ambry Variant Classification Scheme 2023. Collection method: clinical testing. Allele origin: germline.
Comment: The p.I319V variant (also known as c.955A>G), located in coding exon 8 of the RECQL gene, results from an A to G substitution at nucleotide position 955. The isoleucine at codon 319 is replaced by valine, an amino acid with highly similar properties. This amino acid position is conserved. In addition, this alteration is predicted to be tolerated by in silico analysis. Since supporting evidence is limited at this time, the clinical significance of this alteration remains unclear.